The following is an entry in ClinVar:

ClinVar aggregate classification (germline): Conflicting classifications of pathogenicity. Review status: criteria provided, conflicting classifications (1 of 4 stars). 3 submissions from 3 submitters: Uncertain significance (2); Benign (1). Last evaluated 2024-10-05.

Conditions:
Inborn genetic diseases. Identifiers: MedGen C0950123, MeSH D030342.

Allele frequency attached by ClinVar (database versions not stated): gnomAD 0.00020; gnomAD exomes 0.00020; TOPMed 0.00057; 1000 Genomes Project 0.00060; 1000 Genomes Project 30x 0.00062; ExAC 0.00074.
gnomAD v4.1: 324 of 1,570,416 alleles (0.021%); highest among the groups gnomAD compares: East Asian, 0.57%; 1 homozygote.

Submissions (3):

Labcorp Genetics (formerly Invitae), Labcorp
Classification: Benign. Last evaluated: 2024-10-05. Review status: criteria provided, single submitter. Criteria: Invitae Variant Classification Sherloc (09022015). Collection method: clinical testing. Allele origin: germline.

GeneDx
Classification: Uncertain significance. Last evaluated: 2023-07-19. Review status: criteria provided, single submitter. Criteria: GeneDx Variant Classification Process June 2021. Collection method: clinical testing. Allele origin: germline. Affected: yes.
Comment: Observed with a missense variant (p.N712D) on the opposite allele (in trans) in a patient with developmental delay, microcephaly, ventriculomegaly, hypoplasia of the inferior cerebellar vermis, increased muscle tone, and dysmorphic features in the published literature (Harris et al., 2023); In silico analysis supports that this missense variant does not alter protein structure/function; This variant is associated with the following publications: (PMID: 36826837)

Ambry Genetics
Classification: Uncertain significance for Inborn genetic diseases. Last evaluated: 2021-12-07. Review status: criteria provided, single submitter. Criteria: Ambry Variant Classification Scheme 2023. Collection method: clinical testing. Allele origin: germline.

NM_152730.6(TBC1D32):c.3182G>C (p.Gly1061Ala)

Gene: TBC1D32 (TBC1 domain family member 32; minus strand). Cytogenetic location: 6q22.31.
Variant type: single nucleotide variant.
Coding change: c.3182G>C on transcript NM_152730.6 (MANE Select); coding-DNA position 3182, G replaced by C.
Protein change: p.Gly1061Ala; replaces glycine 1061 with alanine.
Molecular consequence: missense variant. On other transcripts: non-coding transcript variant (1).
Genome position (GRCh38, 1-based): chr6:121,112,647, C>G on the plus strand (G>C on the coding strand, the complement: TBC1D32 is on the minus strand). VCF-style: chr6-121112647-C-G. GRCh37 (hg19) VCF-style: chr6-121433793-C-G.
Other names: c.3182G>C (NM_152730.5); c.3305G>C, p.Gly1102Ala (NM_001367759.1, NM_001367760.1); short protein forms G1102A, G1061A.
Identifiers: ClinVar variation 2341149 (VCV002341149.5), dbSNP rs199671235, ClinGen allele CA3980503.
Genomic context (GRCh38, chr6:121,112,647, plus strand): 5'-TTGTCTCCCAACATTATCATGAACAGAGAAGATACAAACCAGTCATGGCCAGCATAATTC[C>G]CTTGCAGGCAGACTGAAAAACACAGTTAAGAAAACTTTACAATATTTTGTAAGATAAAAT-3'
Protein context (NP_689943.4, residues 1051-1071): SIKSSLLCLQ[Gly1061Ala]NYAGHDWFVS